The following is an entry in ClinVar:

ClinVar aggregate classification (germline): Uncertain significance (1 of 4 stars; one submission).

Allele frequency attached by ClinVar (database versions not stated): gnomAD exomes 0.00004; ExAC 0.00027.
gnomAD v4.1: 69 of 1,569,636 alleles (0.0044%); highest among the groups gnomAD compares: East Asian, 0.0047%; no homozygotes.

Submission:

Labcorp Genetics (formerly Invitae), Labcorp
Classification: Uncertain significance. Last evaluated: 2024-02-23. Review status: criteria provided, single submitter. Criteria: Invitae Variant Classification Sherloc (09022015). Collection method: clinical testing. Allele origin: germline.
Comment: This sequence change replaces arginine, which is basic and polar, with histidine, which is basic and polar, at codon 74 of the DGKZ protein (p.Arg74His). This variant is present in population databases (rs777788563, gnomAD 0.08%), and has an allele count higher than expected for a pathogenic variant. This variant has not been reported in the literature in individuals affected with DGKZ-related conditions. An algorithm developed to predict the effect of missense changes on protein structure and function (PolyPhen-2) suggests that this variant is likely to be disruptive. In summary, the available evidence is currently insufficient to determine the role of this variant in disease. Therefore, it has been classified as a Variant of Uncertain Significance.

NM_001199267.2(DGKZ):c.162-814G>A

Gene: DGKZ (diacylglycerol kinase zeta; plus strand). Cytogenetic location: 11p11.2.
Variant type: single nucleotide variant.
Coding change: c.162-814G>A on transcript NM_001199267.2 (MANE Select); 814 bases into the intron before coding-DNA position 162, G replaced by A.
Molecular consequence: intron variant. On other transcripts: missense variant (1).
Genome position (GRCh38, 1-based): chr11:46,366,477, G>A. VCF-style: chr11-46366477-G-A. GRCh37 (hg19) VCF-style: chr11-46388027-G-A.
Other names: c.221G>A, p.Arg74His (NM_001105540.2); c.213-814G>A (NM_201532.3); c.177-814G>A (NM_201533.3); c.162-814G>A (NM_001199266.2, NM_003646.4, NM_001199268.2); short protein forms R74H.
Identifiers: ClinVar variation 2918985 (VCV002918985.3), dbSNP rs777788563, ClinGen allele CA5962110.